The following is an entry in ClinVar:

ClinVar aggregate classification (germline): Uncertain significance (1 of 4 stars; one submission).

Conditions:
Inborn genetic diseases. Identifiers: MedGen C0950123, MeSH D030342.

Allele frequency attached by ClinVar (database versions not stated): gnomAD exomes below 0.00001.
gnomAD v4.1: 7 of 1,614,226 alleles (0.00043%); highest among the groups gnomAD compares: Non-Finnish European, 0.00051%; no homozygotes.

Submission:

Ambry Genetics
Classification: Uncertain significance for Inborn genetic diseases. Last evaluated: 2021-03-23. Review status: criteria provided, single submitter. Criteria: Ambry Variant Classification Scheme 2023. Collection method: clinical testing. Allele origin: germline.
Comment: The p.K1653E variant (also known as c.4957A>G), located in coding exon 8 of the SETX gene, results from an A to G substitution at nucleotide position 4957. The lysine at codon 1653 is replaced by glutamic acid, an amino acid with similar properties. This alteration has been reported in a heterozygous state in one patient with spinal amyotrophic lateral sclerosis (ALS) (Pensato V et al. J Clin Med, 2020 Feb;9:). This amino acid position is well conserved in available vertebrate species. In addition, the in silico prediction for this alteration is inconclusive. Since supporting evidence is limited at this time, the clinical significance of this alteration remains unclear.

Literature cited by the submitters: PubMed 32028661.

NM_015046.7(SETX):c.4957A>G (p.Lys1653Glu)

Gene: SETX (senataxin; minus strand). Cytogenetic location: 9q34.13.
Variant type: single nucleotide variant.
Coding change: c.4957A>G on transcript NM_015046.7 (MANE Select); coding-DNA position 4957, A replaced by G.
Protein change: p.Lys1653Glu; replaces lysine 1653 with glutamic acid.
Molecular consequence: missense variant.
Genome position (GRCh38, 1-based): chr9:132,326,641, T>C on the plus strand (A>G on the coding strand, the complement: SETX is on the minus strand). VCF-style: chr9-132326641-T-C. GRCh37 (hg19) VCF-style: chr9-135202028-T-C.
Other names: c.4957A>G, p.Lys1653Glu (NM_001351527.2, NM_001351528.2); short protein forms K1653E.
Identifiers: ClinVar variation 1744357 (VCV001744357.2), dbSNP rs2539089629, ClinGen allele CA375323020.